The following is an entry in ClinVar:

ClinVar aggregate classification (germline): Conflicting classifications of pathogenicity. Review status: criteria provided, conflicting classifications (1 of 4 stars). 4 submissions from 4 submitters: Uncertain significance (3); Likely benign (1). Last evaluated 2025-01-13.

Conditions:
Chuvash polycythemia. Also called: POLYCYTHEMIA, VHL-DEPENDENT. Identifiers: Orphanet 238557, MedGen C1837915, MONDO:0009892, OMIM 263400.
Von Hippel-Lindau syndrome (VHLS). Also called: von Hippel–Lindau syndrome; VHL syndrome; Von Hippel-Lindau. Identifiers: Orphanet 892, MedGen C0019562, MONDO:0008667, OMIM 193300. Disease mechanism: loss of function.
Hereditary cancer-predisposing syndrome. Also called: Tumor predisposition; Neoplastic Syndromes, Hereditary; Hereditary neoplastic syndrome; Hereditary Cancer Syndrome. Identifiers: Orphanet 140162, MedGen C0027672, MeSH D009386, MONDO:0015356.

Submissions (4):

Ambry Genetics
Classification: Likely benign for Hereditary cancer-predisposing syndrome. Last evaluated: 2025-01-13. Review status: criteria provided, single submitter. Criteria: Ambry Variant Classification Scheme 2023. Collection method: clinical testing. Allele origin: germline.

Baylor Genetics
Classification: Uncertain significance for Chuvash polycythemia. Last evaluated: 2023-08-05. Review status: criteria provided, single submitter. Criteria: ACMG Guidelines, 2015. Collection method: clinical testing. Allele origin: unknown.

GeneDx
Classification: Uncertain significance. Last evaluated: 2023-01-24. Review status: criteria provided, single submitter. Criteria: GeneDx Variant Classification Process June 2021. Collection method: clinical testing. Allele origin: germline. Affected: yes.
Comment: Not observed at significant frequency in large population cohorts (gnomAD); In silico analysis supports that this missense variant does not alter protein structure/function; Has not been previously published as pathogenic or benign to our knowledge

Labcorp Genetics (formerly Invitae), Labcorp
Classification: Uncertain significance for Von Hippel-Lindau syndrome; Chuvash polycythemia. Last evaluated: 2022-01-19. Review status: criteria provided, single submitter. Criteria: Invitae Variant Classification Sherloc (09022015). Collection method: clinical testing. Allele origin: germline.
Comment: This sequence change replaces serine, which is neutral and polar, with asparagine, which is neutral and polar, at codon 168 of the VHL protein (p.Ser168Asn). In summary, the available evidence is currently insufficient to determine the role of this variant in disease. Therefore, it has been classified as a Variant of Uncertain Significance. Advanced modeling of protein sequence and biophysical properties (such as structural, functional, and spatial information, amino acid conservation, physicochemical variation, residue mobility, and thermodynamic stability) performed at Invitae indicates that this missense variant is expected to disrupt VHL protein function. This variant has not been reported in the literature in individuals affected with VHL-related conditions. This variant is not present in population databases (gnomAD no frequency).

Literature cited by the submitters: PubMed 38969834 (cited by Ambry Genetics).

NM_000551.4(VHL):c.503G>A (p.Ser168Asn)

Genes: VHL (von Hippel-Lindau tumor suppressor; plus strand), LOC107303340 (3p25 von Hippel-Lindau tumor suppressor, E3 ubiquitin protein ligase Alu-mediated recombination region; plus strand). Cytogenetic location: 3p25.3.
Variant type: single nucleotide variant.
Coding change: c.503G>A on transcript NM_000551.4 (MANE Select); coding-DNA position 503, G replaced by A.
Protein change: p.Ser168Asn; replaces serine 168 with asparagine.
Molecular consequence: missense variant. On other transcripts: 3 prime UTR variant (1).
Genome position (GRCh38, 1-based): chr3:10,149,826, G>A. VCF-style: chr3-10149826-G-A. GRCh37 (hg19) VCF-style: chr3-10191510-G-A.
Other names: c.*57G>A (NM_001354723.2); c.380G>A, p.Ser127Asn (NM_198156.3); short protein forms S127N, S168N.
Identifiers: ClinVar variation 2087988 (VCV002087988.7), dbSNP rs2125130551, ClinGen allele CA351756182.